The following is an entry in ClinVar:

ClinVar aggregate classification (germline): Uncertain significance (1 of 4 stars; one submission).

Submission:

CeGaT Center for Human Genetics Tuebingen
Classification: Uncertain significance. Last evaluated: 2026-06-01. Review status: criteria provided, single submitter. Criteria: CeGaT Center For Human Genetics Tuebingen Variant Classification Criteria Version 2. Collection method: clinical testing. Allele origin: germline. Affected: yes. Observed: 1 variant allele.
Comment: FAM111B: PM2, BP4

NM_198947.4(FAM111B):c.737A>G (p.His246Arg)

Gene: FAM111B (FAM111 trypsin like peptidase B; plus strand). Cytogenetic location: 11q12.1.
Variant type: single nucleotide variant.
Coding change: c.737A>G on transcript NM_198947.4 (MANE Select); coding-DNA position 737, A replaced by G.
Protein change: p.His246Arg; replaces histidine 246 with arginine.
Molecular consequence: missense variant.
Genome position (GRCh38, 1-based): chr11:59,124,834, A>G. VCF-style: chr11-59124834-A-G. GRCh37 (hg19) VCF-style: chr11-58892307-A-G.
Other names: c.647A>G, p.His216Arg (NM_001142703.2, NM_001142704.2); short protein forms H216R, H246R.
Identifiers: ClinVar variation 4875326 (VCV004875326.2).